The following is an entry in ClinVar:

NM_001035.3(RYR2):c.13184C>T (p.Pro4395Leu)

Genes: RYR2 (ryanodine receptor 2; plus strand), LOC126806068 (BRD4-independent group 4 enhancer GRCh37_chr1:237947411-237948610; plus strand). Cytogenetic location: 1q43.
Variant type: single nucleotide variant.
Coding change: c.13184C>T on transcript NM_001035.3 (MANE Select); coding-DNA position 13184, C replaced by T.
Protein change: p.Pro4395Leu; replaces proline 4395 with leucine.
Molecular consequence: missense variant.
Genome position (GRCh38, 1-based): chr1:237,784,896, C>T. VCF-style: chr1-237784896-C-T. GRCh37 (hg19) VCF-style: chr1-237948196-C-T.
Other names: short protein forms P4395L.
Identifiers: ClinVar variation 962076 (VCV000962076.11), dbSNP rs1695422438, ClinGen allele CA345415533.

ClinVar aggregate classification (germline): Uncertain significance (1 of 4 stars; one submission).

Conditions:
Catecholaminergic polymorphic ventricular tachycardia 1. Also called: VENTRICULAR TACHYCARDIA, CATECHOLAMINERGIC POLYMORPHIC, 1, WITH OR WITHOUT ATRIAL DYSFUNCTION AND/OR DILATED CARDIOMYOPATHY; VENTRICULAR TACHYCARDIA, STRESS-INDUCED POLYMORPHIC 1; RYR2-Related Catecholaminergic Polymorphic Ventricular Tachycardia. Identifiers: Orphanet 3286, MedGen C1631597, MONDO:0011484, OMIM 604772.

Allele frequency attached by ClinVar (database versions not stated): gnomAD exomes below 0.00001.
gnomAD v4.1: 1 of 1,612,608 alleles (0.000062%); highest among the groups gnomAD compares: Non-Finnish European, 0.000085%; no homozygotes.

Submission:

Labcorp Genetics (formerly Invitae), Labcorp
Classification: Uncertain significance for Catecholaminergic polymorphic ventricular tachycardia 1. Last evaluated: 2019-08-09. Review status: criteria provided, single submitter. Criteria: Invitae Variant Classification Sherloc (09022015). Collection method: clinical testing. Allele origin: germline.
Comment: This sequence change replaces proline with leucine at codon 4395 of the RYR2 protein (p.Pro4395Leu). The proline residue is highly conserved and there is a moderate physicochemical difference between proline and leucine. This variant is not present in population databases (ExAC no frequency). This variant has not been reported in the literature in individuals with RYR2-related conditions. Algorithms developed to predict the effect of missense changes on protein structure and function (SIFT, PolyPhen-2, Align-GVGD) all suggest that this variant is likely to be disruptive, but these predictions have not been confirmed by published functional studies and their clinical significance is uncertain. In summary, the available evidence is currently insufficient to determine the role of this variant in disease. Therefore, it has been classified as a Variant of Uncertain Significance.